The following is an entry in ClinVar:

ClinVar aggregate classification (germline): Uncertain significance (1 of 4 stars; one submission).

Conditions:
Hereditary spastic paraplegia 7 (SPG7). Also called: Spastic paraplegia 7; Hereditary spastic paraplegia Paraplegin type; SPG7-related neurologic disorder; SPASTIC PARAPLEGIA 7, AUTOSOMAL RECESSIVE, WITH OR WITHOUT CEREBELLAR ATAXIA; Autosomal recessive spastic paraplegia type 7. Identifiers: Orphanet 99013, MedGen C1846564, MONDO:0011803, OMIM 607259.

Submission:

Labcorp Genetics (formerly Invitae), Labcorp
Classification: Uncertain significance for Hereditary spastic paraplegia 7. Last evaluated: 2023-06-19. Review status: criteria provided, single submitter. Criteria: Invitae Variant Classification Sherloc (09022015). Collection method: clinical testing. Allele origin: germline.
Comment: This sequence change replaces glutamic acid, which is acidic and polar, with glutamine, which is neutral and polar, at codon 715 of the SPG7 protein (p.Glu715Gln). This variant is not present in population databases (gnomAD no frequency). This variant has not been reported in the literature in individuals affected with SPG7-related conditions. ClinVar contains an entry for this variant (Variation ID: 2181210). Advanced modeling of protein sequence and biophysical properties (such as structural, functional, and spatial information, amino acid conservation, physicochemical variation, residue mobility, and thermodynamic stability) performed at Invitae indicates that this missense variant is not expected to disrupt SPG7 protein function. In summary, the available evidence is currently insufficient to determine the role of this variant in disease. Therefore, it has been classified as a Variant of Uncertain Significance.

NM_003119.4(SPG7):c.2143G>C (p.Glu715Gln)

Gene: SPG7 (SPG7 matrix AAA peptidase subunit, paraplegin; plus strand). Cytogenetic location: 16q24.3.
Variant type: single nucleotide variant.
Coding change: c.2143G>C on transcript NM_003119.4 (MANE Select); coding-DNA position 2143, G replaced by C.
Protein change: p.Glu715Gln; replaces glutamic acid 715 with glutamine.
Molecular consequence: missense variant.
Genome position (GRCh38, 1-based): chr16:89,554,525, G>C. VCF-style: chr16-89554525-G-C. GRCh37 (hg19) VCF-style: chr16-89620933-G-C.
Other names: c.2143G>C, p.Glu715Gln (NM_001363850.1); short protein forms E715Q.
Identifiers: ClinVar variation 2181210 (VCV002181210.4), dbSNP rs374302115, ClinGen allele CA397434702.
Genomic context (GRCh38, chr16:89,554,525, plus strand): 5'-CACAGTTCCCTCCACTCACAGGAAGCAAGACTGCTGGTGGCCAAGGCCTACAGACACACC[G>C]AGAAGGTGCTGCAGGACAACCTGGACAAGTTGCAGGCGGTGAGGCCCTGGCCAGGCGTGG-3'
Protein context (NP_003110.1, residues 705-725): LLVAKAYRHT[Glu715Gln]KVLQDNLDKL